The following is an entry in ClinVar:

ClinVar aggregate classification (germline): Likely pathogenic (1 of 4 stars; one submission).

Conditions:
ZFHX4-related disorder. Also called: ZFHX4-related condition.

Submission:

3billion
Classification: Likely pathogenic for ZFHX4-related disorder. Last evaluated: 2026-01-06. Review status: criteria provided, single submitter. Criteria: ACMG Guidelines, 2015. Collection method: clinical testing. Allele origin: germline. Affected: yes.
Comment: The variant is not observed in the gnomAD v4.1.0 dataset. Predicted Consequence/Location: Stop-gained (nonsense): predicted to result in a loss or disruption of normal protein function through nonsense-mediated decay (NMD) or protein truncation. Multiple pathogenic variants are reported downstream of the variant. Therefore, this variant is classified as Likely pathogenic according to the recommendation of ACMG/AMP guideline.

NM_024721.5(ZFHX4):c.2005G>T (p.Glu669Ter)

Gene: ZFHX4 (zinc finger homeobox 4; plus strand). Cytogenetic location: 8q21.13.
Variant type: single nucleotide variant.
Coding change: c.2005G>T on transcript NM_024721.5 (MANE Select); coding-DNA position 2005, G replaced by T.
Protein change: p.Glu669Ter; replaces glutamic acid 669 with a stop codon.
Molecular consequence: nonsense.
Genome position (GRCh38, 1-based): chr8:76,706,093, G>T. VCF-style: chr8-76706093-G-T. GRCh37 (hg19) VCF-style: chr8-77618328-G-T.
Other names: c.2005G>T, p.Glu669Ter (NM_001410934.1); short protein forms E669*.
Identifiers: ClinVar variation 4856140 (VCV004856140.1).